The following is an entry in ClinVar:

NM_013265.4(VPS51):c.1443+5G>A

Gene: VPS51 (VPS51 subunit of GARP complex; plus strand). Cytogenetic location: 11q13.1.
Variant type: single nucleotide variant.
Coding change: c.1443+5G>A on transcript NM_013265.4 (MANE Select); 5 bases into the intron after coding-DNA position 1443, G replaced by A.
Molecular consequence: intron variant.
Genome position (GRCh38, 1-based): chr11:65,108,919, G>A. VCF-style: chr11-65108919-G-A. GRCh37 (hg19) VCF-style: chr11-64876391-G-A.
Identifiers: ClinVar variation 4292967 (VCV004292967.1).

ClinVar aggregate classification (germline): Uncertain significance (1 of 4 stars; one submission).

Conditions:
Pontocerebellar hypoplasia, type 13. Identifiers: Orphanet 613267, MedGen C5231425, MONDO:0032831, OMIM 618606.

Submission:

3billion
Classification: Uncertain significance for Pontocerebellar hypoplasia, type 13. Last evaluated: 2025-02-06. Review status: criteria provided, single submitter. Criteria: ACMG Guidelines, 2015. Collection method: clinical testing. Allele origin: germline. Affected: yes.
Comment: The variant is observed at an extremely low frequency in the gnomAD v4.1.0 dataset (total allele frequency: <0.001%). Predicted Consequence/Location: Intron variant In silico tools predict the variant to alter splicing and produce an abnormal transcript [SpliceAI: 0.49 (>=0.2, moderate evidence for spliceogenicity)]. Therefore, this variant is classified as VUS according to the recommendation of ACMG/AMP guideline.